The following is an entry in ClinVar:

ClinVar aggregate classification (germline): Likely benign (1 of 4 stars; one submission).

Allele frequency attached by ClinVar (database versions not stated): gnomAD 0.00001; gnomAD exomes 0.00001.
gnomAD v4.1: 13 of 1,413,950 alleles (0.00092%); highest among the groups gnomAD compares: African/African-American, 0.012%; 4 homozygotes.

Submission:

CeGaT Center for Human Genetics Tuebingen
Classification: Likely benign. Last evaluated: 2026-07-01. Review status: criteria provided, single submitter. Criteria: CeGaT Center For Human Genetics Tuebingen Variant Classification Criteria Version 2. Collection method: clinical testing. Allele origin: germline. Affected: yes. Observed: 4 variant alleles.
Comment: MUC4: BP4, BP7

NM_018406.7(MUC4):c.9819A>T (p.Ala3273=)

Gene: MUC4 (mucin 4, cell surface associated). Cytogenetic location: 3q29.
Variant type: single nucleotide variant.
Coding change: c.9819A>T on transcript NM_018406.7 (MANE Select); coding-DNA position 9819, A replaced by T.
Protein change: p.Ala3273=; no amino-acid change (alanine 3273 retained).
Molecular consequence: synonymous variant. On other transcripts: genic upstream transcript variant (2).
Genome position (GRCh38, 1-based): chr3:195,781,761, T>A on the plus strand (A>T on the coding strand, the complement: MUC4 is on the minus strand). VCF-style: chr3-195781761-T-A. GRCh37 (hg19) VCF-style: chr3-195508632-T-A.
Other names: c.83-3306A>T (NM_004532.6); c.14493A>T, p.Val4831= (NM_001322468.1); c.83-7456A>T (NM_138297.5).
Identifiers: ClinVar variation 2654438 (VCV002654438.24), dbSNP rs1466562510, ClinGen allele CA438038930.